The following is an entry in ClinVar:

NM_003579.4(RAD54L):c.1495C>A (p.Leu499Met)

Gene: RAD54L (RAD54 like; plus strand). Cytogenetic location: 1p34.1.
Variant type: single nucleotide variant.
Coding change: c.1495C>A on transcript NM_003579.4 (MANE Select); coding-DNA position 1495, C replaced by A.
Protein change: p.Leu499Met; replaces leucine 499 with methionine.
Molecular consequence: missense variant.
Genome position (GRCh38, 1-based): chr1:46,273,632, C>A. VCF-style: chr1-46273632-C-A. GRCh37 (hg19) VCF-style: chr1-46739304-C-A.
Other names: c.1495C>A, p.Leu499Met (NM_001142548.2); c.955C>A, p.Leu319Met (NM_001370766.1); short protein forms L319M, L499M.
Identifiers: ClinVar variation 1773869 (VCV001773869.2), dbSNP rs1660501511, ClinGen allele CA340181645.

ClinVar aggregate classification (germline): Uncertain significance (1 of 4 stars; one submission).

Allele frequency attached by ClinVar (database versions not stated): gnomAD exomes below 0.00001.

Submission:

Ambry Genetics
Classification: Uncertain significance. Last evaluated: 2021-12-20. Review status: criteria provided, single submitter. Criteria: Ambry Variant Classification Scheme 2023. Collection method: clinical testing. Allele origin: germline.
Comment: The p.L499M variant (also known as c.1495C>A), located in coding exon 14 of the RAD54L gene, results from a C to A substitution at nucleotide position 1495. The leucine at codon 499 is replaced by methionine, an amino acid with highly similar properties. This amino acid position is conserved. In addition, the in silico prediction for this alteration is inconclusive. Since supporting evidence is limited at this time, the clinical significance of this alteration remains unclear.